The following is an entry in ClinVar:

ClinVar aggregate classification (germline): Pathogenic/Likely pathogenic. Review status: criteria provided, multiple submitters, no conflicts (2 of 4 stars). 10 submissions from 10 submitters: Pathogenic (6); Likely pathogenic (4). Last evaluated 2026-01-19.

Conditions:
PMM2-related disorder. Also called: PMM2-related condition.
Premature ovarian insufficiency (POF). Also called: Premature ovarian failure. Identifiers: MedGen C4303540, HP:0008209.
PMM2-congenital disorder of glycosylation. Also called: PHOSPHOMANNOMUTASE 2 DEFICIENCY; JAEKEN SYNDROME; CARBOHYDRATE-DEFICIENT GLYCOPROTEIN SYNDROME, TYPE Ia; Congenital disorder of glycosylation, type Ia; PMM2-CDG; CDG Ia. Identifiers: Orphanet 79318, MedGen C0349653, MONDO:0008907, OMIM 212065.

Allele frequency attached by ClinVar (database versions not stated): gnomAD exomes 0.00005 and 0.00001; TOPMed 0.00003; ExAC 0.00002.
gnomAD v4.1: 78 of 1,612,342 alleles (0.0048%); highest among the groups gnomAD compares: Non-Finnish European, 0.0061%; no homozygotes.

Submissions (10):

Labcorp Genetics (formerly Invitae), Labcorp
Classification: Pathogenic for PMM2-congenital disorder of glycosylation. Last evaluated: 2026-01-19. Review status: criteria provided, single submitter. Criteria: Invitae Variant Classification Sherloc (09022015). Collection method: clinical testing. Allele origin: germline.
Comment: This sequence change replaces alanine, which is neutral and non-polar, with valine, which is neutral and non-polar, at codon 108 of the PMM2 protein (p.Ala108Val). This variant is present in population databases (rs200503569, gnomAD 0.003%). This missense change has been observed in individual(s) with PMM2-related conditions (PMID: 9140401, 15844218, 25355454). In at least one individual the data is consistent with being in trans (on the opposite chromosome) from a pathogenic variant. ClinVar contains an entry for this variant (Variation ID: 92800). Invitae Evidence Modeling of protein sequence and biophysical properties (such as structural, functional, and spatial information, amino acid conservation, physicochemical variation, residue mobility, and thermodynamic stability) has been performed for this missense variant. However, the output from this modeling did not meet the statistical confidence thresholds required to predict the impact of this variant on PMM2 protein function. For these reasons, this variant has been classified as Pathogenic.

Mayo Clinic Laboratories, Mayo Clinic
Classification: Pathogenic. Last evaluated: 2025-06-12. Review status: criteria provided, single submitter. Criteria: ACMG Guidelines, 2015. Collection method: clinical testing. Allele origin: germline. Observed: 1 variant allele.
Comment: PP3, PM2_supporting, PM3_very_strong, PS3_moderate

Natera, Inc.
Classification: Pathogenic for Congenital disorder of glycosylation type 1a. Last evaluated: 2024-05-31. Review status: criteria provided, single submitter. Criteria: Natera Variant Classification Schema (03/2026). Collection method: clinical testing. Allele origin: germline.
Comment: The c.323C>T variant in PMM2 is a missense variant predicted to cause substitution of alanine to valine at amino acid 108. This variant is rare in the general population with a frequency below the threshold expected for the associated phenotype(s). This variant has been observed in one or more individuals affected with the associated recessive disease, as either homozygous or compound heterozygous with a second variant (PMID: 9140401). Given the available evidence, this variant is classified as Pathogenic.

GeneDx
Classification: Pathogenic. Last evaluated: 2022-07-01. Review status: criteria provided, single submitter. Criteria: GeneDx Variant Classification Process June 2021. Collection method: clinical testing. Allele origin: germline. Affected: yes.
Comment: Not observed at a significant frequency in large population cohorts (gnomAD); In silico analysis supports that this missense variant has a deleterious effect on protein structure/function; This variant is associated with the following publications: (PMID: 11058895, 9781052, 15771971, 9497260, 9425221, 9140401, 25497157, 25355454, 15844218, 34234304, 34480478)

Myriad Genetics, Inc.
Classification: Likely pathogenic for PMM2-congenital disorder of glycosylation. Last evaluated: 2021-11-10. Review status: criteria provided, single submitter. Criteria: Myriad Women's Health Autosomal Recessive and X-Linked Classification Criteria (2021). Collection method: clinical testing. Allele origin: unknown.
Comment: NM_000303.2(PMM2):c.323C>T(A108V) is a missense variant classified as likely pathogenic in the context of congenital disorder of glycosylation type Ia. A108V has been observed in cases with relevant disease (PMID: 32635232, Gurtunca_2013 _(no PMID; abstract), 25355454, 25497157, 15844218). Functional assessments of this variant are not available in the literature. A108V has been observed in population frequency databases (gnomAD: NFE 0.002%). In summary, NM_000303.2(PMM2):c.323C>T(A108V) is a missense variant that has been observed more frequently in cases with the relevant disease than in healthy populations. Please note: this variant was assessed in the context of healthy population screening.

Fulgent Genetics
Classification: Likely pathogenic for PMM2-congenital disorder of glycosylation. Last evaluated: 2021-08-12. Review status: criteria provided, single submitter. Criteria: ACMG Guidelines, 2015. Collection method: clinical testing. Allele origin: unknown.

Molecular Medicine for Neurodegenerative and Neuromuscular Diseases Unit, IRCCS Fondazione Stella Maris
Classification: Pathogenic for PMM2-congenital disorder of glycosylation. Last evaluated: 2021-01-04. Review status: criteria provided, single submitter. Criteria: ACMG Guidelines, 2015. Collection method: research. Allele origin: inherited. Affected: yes.

Medical Cytogenetics and Molecular Genetics Laboratory, IRCCS Istituto Auxologico Italiano
Classification: Pathogenic for Premature ovarian failure. Last evaluated: 2020-03-02. Review status: criteria provided, single submitter. Criteria: ACMG Guidelines, 2015. Collection method: research. Allele origin: germline. Affected: yes. Observed: 1 variant allele.

Blueprint Genetics
Classification: Likely pathogenic for PMM2-related disorders. Last evaluated: 2019-09-11. Review status: criteria provided, single submitter. Criteria: ACMG Guidelines, 2015. Collection method: clinical testing. Allele origin: germline. Affected: yes. Observed: 3 variant alleles.

Eurofins Ntd Llc (ga)
Classification: Likely pathogenic. Last evaluated: 2013-08-30. Review status: criteria provided, single submitter. Criteria: EGL Classification Definitions. Collection method: clinical testing. Allele origin: germline. Observed: 3 variant alleles, 3 heterozygotes.

Literature cited by the submitters: PubMed 9140401 (cited by 3 submitters); PubMed 15844218 (cited by 3 submitters); PubMed 25355454 (cited by 3 submitters); PubMed 25497157 (cited by Mayo Clinic Laboratories, Mayo Clinic and Myriad Genetics, Inc.); PubMed 32635232 (cited by Mayo Clinic Laboratories, Mayo Clinic and Myriad Genetics, Inc.); PubMed 34234304 (cited by Mayo Clinic Laboratories, Mayo Clinic); PubMed 34445196 (cited by Mayo Clinic Laboratories, Mayo Clinic); PubMed 34480478 (cited by Mayo Clinic Laboratories, Mayo Clinic); PubMed 34718612 (cited by Mayo Clinic Laboratories, Mayo Clinic); PubMed 35789514 (cited by Mayo Clinic Laboratories, Mayo Clinic); PubMed 36221102 (cited by Mayo Clinic Laboratories, Mayo Clinic).

NM_000303.3(PMM2):c.323C>T (p.Ala108Val)

Gene: PMM2 (phosphomannomutase 2; plus strand). Cytogenetic location: 16p13.2.
Variant type: single nucleotide variant.
Coding change: c.323C>T on transcript NM_000303.3 (MANE Select); coding-DNA position 323, C replaced by T.
Protein change: p.Ala108Val; replaces alanine 108 with valine.
Molecular consequence: missense variant.
Genome position (GRCh38, 1-based): chr16:8,806,383, C>T. VCF-style: chr16-8806383-C-T. GRCh37 (hg19) VCF-style: chr16-8900240-C-T.
Other names: short protein forms A108V.
Identifiers: ClinVar variation 92800 (VCV000092800.31), dbSNP rs200503569, ClinGen allele CA220618.